The following is an entry in ClinVar:

NM_015512.5(DNAH1):c.9428T>C (p.Met3143Thr)

Gene: DNAH1 (dynein axonemal heavy chain 1; plus strand). Cytogenetic location: 3p21.1.
Variant type: single nucleotide variant.
Coding change: c.9428T>C on transcript NM_015512.5 (MANE Select); coding-DNA position 9428, T replaced by C.
Protein change: p.Met3143Thr; replaces methionine 3143 with threonine.
Molecular consequence: missense variant.
Genome position (GRCh38, 1-based): chr3:52,388,870, T>C. VCF-style: chr3-52388870-T-C. GRCh37 (hg19) VCF-style: chr3-52422886-T-C.
Other names: short protein forms M3143T.
Identifiers: ClinVar variation 1991503 (VCV001991503.4), dbSNP rs780885849, ClinGen allele CA2435526.
Genomic context (GRCh38, chr3:52,388,870, plus strand): 5'-TCAACGGGCTGTCGGATGAGAAGGTGCGCTGGCAGGAGACGGTGGAGAACCTGCAGTACA[T>C]GCTCAACAACATCTCCGGCGATGTCCTGGTGGCCGCTGGCTTTGTGGCCTACCTGGGCCC-3'
Protein context (NP_056327.4, residues 3133-3153): WQETVENLQY[Met3143Thr]LNNISGDVLV

ClinVar aggregate classification (germline): Uncertain significance (1 of 4 stars; one submission).

Conditions:
Spermatogenic failure 18. Identifiers: MedGen C4539783, MONDO:0054615, OMIM 617576.
Ciliary dyskinesia, primary, 37 (CILD37). Also called: CILIARY DYSKINESIA, PRIMARY, 37, WITH OR WITHOUT SITUS INVERSUS. Identifiers: MedGen C4539798, MONDO:0033204, OMIM 617577.

Allele frequency attached by ClinVar (database versions not stated): gnomAD exomes below 0.00001; TOPMed below 0.00001; ExAC 0.00001.
gnomAD v4.1: 4 of 1,613,792 alleles (0.00025%); highest among the groups gnomAD compares: Non-Finnish European, 0.00025%; no homozygotes.

Submission:

Labcorp Genetics (formerly Invitae), Labcorp
Classification: Uncertain significance for Ciliary dyskinesia, primary, 37; Spermatogenic failure 18. Last evaluated: 2023-11-04. Review status: criteria provided, single submitter. Criteria: Invitae Variant Classification Sherloc (09022015). Collection method: clinical testing. Allele origin: germline.
Comment: This sequence change replaces methionine, which is neutral and non-polar, with threonine, which is neutral and polar, at codon 3143 of the DNAH1 protein (p.Met3143Thr). This variant is present in population databases (rs780885849, gnomAD 0.002%). This variant has not been reported in the literature in individuals affected with DNAH1-related conditions. ClinVar contains an entry for this variant (Variation ID: 1991503). Advanced modeling of protein sequence and biophysical properties (such as structural, functional, and spatial information, amino acid conservation, physicochemical variation, residue mobility, and thermodynamic stability) performed at Invitae indicates that this missense variant is not expected to disrupt DNAH1 protein function with a negative predictive value of 80%. In summary, the available evidence is currently insufficient to determine the role of this variant in disease. Therefore, it has been classified as a Variant of Uncertain Significance.